The following is an entry in ClinVar:

ClinVar aggregate classification (germline): Pathogenic/Likely pathogenic. Review status: criteria provided, multiple submitters, no conflicts (2 of 4 stars). 9 submissions from 9 submitters: Pathogenic (6); Likely pathogenic (2). 1 of the submissions does not count toward it. Last evaluated 2025-11-24.

Conditions:
TPP1-related disorder. Also called: TPP1-related condition.
Neuronal ceroid lipofuscinosis. Also called: Neuronal Ceroid Lipofuscinoses. Identifiers: Orphanet 216, Orphanet 79263, MedGen C0027877, MONDO:0016295. Disease mechanism: loss of function.
Neuronal ceroid lipofuscinosis 2. Also called: TPP1-Related Neuronal Ceroid-Lipofuscinosis; JANSKY-BIELSCHOWSKY DISEASE NEURONAL CEROID LIPOFUSCINOSIS, LATE INFANTILE. Identifiers: Orphanet 168491, Orphanet 228349, Orphanet 79264, MedGen C1876161, MONDO:0008769, OMIM 204500.

Allele frequency attached by ClinVar (database versions not stated): gnomAD exomes below 0.00001 and 0.00001.
gnomAD v4.1: 1 of 1,613,716 alleles (0.000062%); highest among the groups gnomAD compares: Non-Finnish European, 0.000085%; no homozygotes.

Submissions (9):

PreventionGenetics, part of Exact Sciences
Classification: Likely pathogenic for TPP1-related condition. Last evaluated: 2025-11-24. Review status: criteria provided, single submitter. Criteria: ACMG Guidelines, 2015. Collection method: clinical testing. Allele origin: germline.
Comment: The TPP1 c.229G>C variant is predicted to result in the amino acid substitution p.Gly77Arg. This variant has been reported as causative for autosomal recessive TPP1-related disorders in multiple unrelated individuals (see for example Walus et al. 2010. PubMed ID: 20340139; Retterer et al. 2016. PubMed ID: 26633542; Jilani et al. 2019. PubMed ID: 31741823). This variant is reported in 0.00088% of alleles in individuals of European (Non-Finnish) descent in gnomAD. This variant is interpreted as likely pathogenic.

3billion
Classification: Likely pathogenic for Neuronal ceroid lipofuscinosis 2. Last evaluated: 2025-09-29. Review status: criteria provided, single submitter. Criteria: ACMG Guidelines, 2015. Collection method: clinical testing. Allele origin: germline. Affected: yes.
Comment: The variant is observed at an extremely low frequency in the gnomAD v4.1.0 dataset (total allele frequency: <0.001%). Predicted Consequence/Location: Missense variant In silico tool predictions suggest damaging effect of the variant on gene or gene product [REVEL: 0.80 (>=0.6, sensitivity 0.68 and specificity 0.92); 3Cnet: 0.99 (> 0.75, sensitivity 0.96 and precision 0.92)]. The same nucleotide change resulting in the same amino acid change has been previously reported as pathogenic/likely pathogenic with strong evidence (ClinVar ID: VCV000207567 /PMID: 26633542). The variant has been reported to be in trans with a pathogenic variant as either compound heterozygous or homozygous in at least one similarly affected unrelated individual (PMID: 30771299, 31741823). Therefore, this variant is classified as Likely pathogenic according to the recommendation of ACMG/AMP guideline.

Labcorp Genetics (formerly Invitae), Labcorp
Classification: Pathogenic. Last evaluated: 2025-07-15. Review status: criteria provided, single submitter. Criteria: Invitae Variant Classification Sherloc (09022015). Collection method: clinical testing. Allele origin: germline.
Comment: This sequence change replaces glycine, which is neutral and non-polar, with arginine, which is basic and polar, at codon 77 of the TPP1 protein (p.Gly77Arg). This variant also falls at the last nucleotide of exon 3, which is part of the consensus splice site for this exon. This variant is present in population databases (no rsID available, gnomAD 0.002%). This missense change has been observed in individual(s) with neuronal ceroid lipofuscinosis (PMID: 10330339, 30119717, 30771299, 31741823). ClinVar contains an entry for this variant (Variation ID: 207567). An algorithm developed to predict the effect of missense changes on protein structure and function (PolyPhen-2) suggests that this variant is likely to be disruptive. Experimental studies have shown that this missense change affects TPP1 function (PMID: 18411270, 20340139). Variants that disrupt the consensus splice site are a relatively common cause of aberrant splicing (PMID: 17576681, 9536098). Algorithms developed to predict the effect of sequence changes on RNA splicing suggest that this variant may disrupt the consensus splice site. For these reasons, this variant has been classified as Pathogenic.

Revvity Omics, Revvity
Classification: Pathogenic. Last evaluated: 2025-04-14. Review status: criteria provided, single submitter. Criteria: ACMG Guidelines, 2015. Collection method: clinical testing. Allele origin: germline.

Natera, Inc.
Classification: Pathogenic for Neuronal ceroid lipofuscinosis 2. Last evaluated: 2024-11-27. Review status: criteria provided, single submitter. Criteria: Natera Variant Classification Schema (03/2026). Collection method: clinical testing. Allele origin: germline.
Comment: The c.229G>C variant in TPP1 is a missense variant predicted to cause substitution of glycine to arginine at amino acid 77. This variant is rare in the general population with a frequency below the threshold expected for the associated phenotype(s). This variant has been observed in one or more individuals affected with the associated recessive disease, as either homozygous or compound heterozygous with a second variant (PMID: 31741823, 33348105, 31489614). Additionally, this variant has been observed to segregate in affected family members (PMID: 31741823). Another variant at this same site results in an alteration predicted to cause a similar molecular effect has been observed in individual(s) with the associated phenotype. Computational prediction algorithms indicate this variant is likely to affect gene or protein function. Given the available evidence, this variant is classified as Pathogenic.

Blueprint Genetics
Classification: Pathogenic for TPP1-related disorders. Last evaluated: 2023-12-29. Review status: criteria provided, single submitter. Criteria: ACMG Guidelines, 2015. Collection method: clinical testing. Allele origin: germline. Affected: yes. Observed: 4 variant alleles.

Women's Health and Genetics/Laboratory Corporation of America, LabCorp
Classification: Pathogenic for Neuronal ceroid lipofuscinosis. Last evaluated: 2021-09-27. Review status: criteria provided, single submitter. Criteria: LabCorp Variant Classification Summary - May 2015. Collection method: clinical testing. Allele origin: germline.
Comment: Variant summary: TPP1 c.229G>C (p.Gly77Arg) results in a non-conservative amino acid change located in the activation domain (IPR015366) of the encoded protein sequence. Five of five in-silico tools predict a damaging effect of the variant on protein function. In addition, the variant is located to the last nucleotide of exon 3, therefore it can also affect splicing. Computational tools predict a significant impact on normal splicing: 2 predict the variant abolishes a 5' splicing donor site. However, these predictions have yet to be confirmed by functional studies. The variant allele was found at a frequency of 8e-06 in 250960 control chromosomes (gnomAD). The variant, c.229G>C, has been reported in the literature, in compound heterozygous- and homozygous state, in at least three individuals who were affected with Neuronal Ceroid-Lipofuscinosis (Batten Disease) (Retterer_2015, Nickel_2018, Jilani_2019, Lukacs_2019, Dozieres-Puyravel_2020, Estublier_2020, Kovacs_2020). These data indicate that the variant is likely to be associated with disease. At least one publication reported experimental evidence evaluating the protein level effect of the variant (i.e. expressing it from an intronless cDNA construct), and demonstrated very low residual enzyme activity and altered intracellular trafficking in a mammalian cell system (Walus_2010). Two clinical diagnostic laboratories have submitted clinical-significance assessments for this variant to ClinVar after 2014, and both of them classified the variant as likely pathogenic. Based on the evidence outlined above, the variant was classified as pathogenic.

GeneDx
Classification: Pathogenic. Last evaluated: 2012-04-12. Review status: criteria provided, single submitter. Criteria: GeneDx Variant Classification (06012015). Collection method: clinical testing. Allele origin: germline. Affected: yes.
Comment: p.Gly77Arg (GGA>CGA): c.229 G>C in exon 3 in the TPP1 gene (NM_000391.3) has been reported previously in association with late-infantile neuronal ceroid lipofuscinosis (LINCL) (Sleat et al., 1999). The Gly77Arg mutation alters a highly conserved position in the pro-segment of the TPP1 protein, and in vitro functional studies indicate that this mutation impairs protein folding and significantly reduces TPP1 enzyme activity (Walus et al., 2010). We interpret G77R as a disease-causing mutation. The variant is found in EPILEPSY panel(s).

Counsyl
Classification: Likely pathogenic for Neuronal ceroid lipofuscinosis 2. Last evaluated: 2018-03-29. Review status: no assertion criteria provided. Collection method: clinical testing. Allele origin: unknown. Not counted in ClinVar's aggregate classification.

Literature cited by the submitters: PubMed 31741823 (cited by 4 submitters); PubMed 26633542 (cited by 3 submitters); PubMed 30771299 (cited by 3 submitters); PubMed 10330339 (cited by Labcorp Genetics (formerly Invitae), Labcorp); PubMed 30119717 (cited by Labcorp Genetics (formerly Invitae), Labcorp and Women's Health and Genetics/Laboratory Corporation of America, LabCorp); PubMed 18411270 (cited by 3 submitters); PubMed 20340139 (cited by 3 submitters); PubMed 17576681 (cited by Labcorp Genetics (formerly Invitae), Labcorp); PubMed 9536098 (cited by Labcorp Genetics (formerly Invitae), Labcorp); PubMed 33348105 (cited by Natera, Inc. and Women's Health and Genetics/Laboratory Corporation of America, LabCorp); PubMed 31489614 (cited by Natera, Inc. and Women's Health and Genetics/Laboratory Corporation of America, LabCorp); PubMed 19038966 (cited by Women's Health and Genetics/Laboratory Corporation of America, LabCorp and Counsyl); PubMed 15965709 (cited by Women's Health and Genetics/Laboratory Corporation of America, LabCorp); PubMed 32146219 (cited by Women's Health and Genetics/Laboratory Corporation of America, LabCorp).

NM_000391.4(TPP1):c.229G>C (p.Gly77Arg)

Gene: TPP1 (tripeptidyl peptidase 1; minus strand). Cytogenetic location: 11p15.4.
Variant type: single nucleotide variant.
Coding change: c.229G>C on transcript NM_000391.4 (MANE Select); coding-DNA position 229, G replaced by C.
Protein change: p.Gly77Arg; replaces glycine 77 with arginine.
Molecular consequence: missense variant.
Genome position (GRCh38, 1-based): chr11:6,618,776, C>G on the plus strand (G>C on the coding strand, the complement: TPP1 is on the minus strand). VCF-style: chr11-6618776-C-G. GRCh37 (hg19) VCF-style: chr11-6640007-C-G.
Other names: p.G77R:GGA>CGA; short protein forms G77R.
Identifiers: ClinVar variation 207567 (VCV000207567.16), dbSNP rs121908195, ClinGen allele CA319162.